The following is an entry in ClinVar:

ClinVar aggregate classification (germline): Likely pathogenic (1 of 4 stars; one submission).

Submission:

GeneDx
Classification: Likely pathogenic. Last evaluated: 2024-12-05. Review status: criteria provided, single submitter. Criteria: GeneDx Variant Classification Process June 2021. Collection method: clinical testing. Allele origin: germline.
Comment: Not observed at significant frequency in large population cohorts (gnomAD); In silico analysis supports that this missense variant has a deleterious effect on protein structure/function; Also known as p.(P309S); This variant is associated with the following publications: (PMID: 11462173, 17224651, 21652629, 32021595)

NM_003722.5(TP63):c.1042C>T (p.Pro348Ser)

Gene: TP63 (tumor protein p63; plus strand). Cytogenetic location: 3q28.
Variant type: single nucleotide variant.
Coding change: c.1042C>T on transcript NM_003722.5 (MANE Select); coding-DNA position 1042, C replaced by T.
Protein change: p.Pro348Ser; replaces proline 348 with serine.
Molecular consequence: missense variant.
Genome position (GRCh38, 1-based): chr3:189,868,629, C>T. VCF-style: chr3-189868629-C-T. GRCh37 (hg19) VCF-style: chr3-189586418-C-T.
Other names: c.1042C>T, p.Pro348Ser (NM_001114978.2, NM_001114979.2, NM_001329144.2 and 1 more transcripts); c.760C>T, p.Pro254Ser (NM_001114980.2, NM_001114981.2, NM_001114982.2 and 2 more transcripts); c.505C>T, p.Pro169Ser (NM_001329146.2, NM_001329150.2); c.1036C>T, p.Pro346Ser (NM_001329964.2); short protein forms P169S, P254S, P346S, P348S.
Identifiers: ClinVar variation 3253399 (VCV003253399.2), dbSNP rs1577147850.